The following is an entry in ClinVar:

NM_018006.5(TRMU):c.697C>T (p.Leu233Phe)

Gene: TRMU (tRNA mitochondrial 2-thiouridylase; plus strand). Cytogenetic location: 22q13.31.
Variant type: single nucleotide variant.
Coding change: c.697C>T on transcript NM_018006.5 (MANE Select); coding-DNA position 697, C replaced by T.
Protein change: p.Leu233Phe; replaces leucine 233 with phenylalanine.
Molecular consequence: missense variant. On other transcripts: non-coding transcript variant (2).
Genome position (GRCh38, 1-based): chr22:46,352,166, C>T. VCF-style: chr22-46352166-C-T. GRCh37 (hg19) VCF-style: chr22-46748063-C-T.
Other names: c.355C>T, p.Leu119Phe (NM_001282782.2); c.277C>T, p.Leu93Phe (NM_001282783.2, NM_001282784.2); c.697C>T, p.Leu233Phe (NM_001282785.2); short protein forms L119F, L233F, L93F.
Identifiers: ClinVar variation 3338850 (VCV003338850.4).

ClinVar aggregate classification (germline): Likely pathogenic. Review status: criteria provided, multiple submitters, no conflicts (2 of 4 stars). 4 submissions from 4 submitters: Likely pathogenic (4). Last evaluated 2025-11-17.

Conditions:
Acute infantile liver failure due to synthesis defect of mtDNA-encoded proteins. Also called: LIVER FAILURE, INFANTILE, TRANSIENT; TRMU Deficiency; Liver failure acute infantile. Identifiers: Orphanet 217371, MedGen C3278664, MONDO:0013111, OMIM 613070.
Aminoglycoside-induced deafness. Also called: DEAFNESS, STREPTOMYCIN-INDUCED; STREPTOMYCIN OTOTOXICITY; MT-RNR1-Related Hearing Loss and Deafness. Identifiers: Orphanet 168609, MedGen C1838854, MONDO:0010799, OMIM 580000.

Submissions (4):

Myriad Genetics, Inc.
Classification: Likely pathogenic for Acute infantile liver failure due to synthesis defect of mtDNA-encoded proteins. Last evaluated: 2025-11-17. Review status: criteria provided, single submitter. Criteria: Myriad Autosomal Dominant, Autosomal Recessive and X-Linked Classification Criteria (2023). Collection method: clinical testing. Allele origin: unknown.
Comment: NM_018006.4(TRMU):c.697C>T(L233F) is a missense variant classified as likely pathogenic in the context of acute liver failure, TRMU-related. L233F has been observed in cases with relevant disease (PMID: 39290186, 23625533, 19732863). Relevant functional assessments of this variant are available in the literature (PMID: 38113276). L233F has not been observed in referenced population frequency databases. In summary, NM_018006.4(TRMU):c.697C>T(L233F) is a missense variant that has functional support for pathogenicity and has been observed more frequently in cases with the relevant disease than in healthy populations. Please note: this variant was assessed in the context of healthy population screening.

GeneDx
Classification: Likely pathogenic. Last evaluated: 2025-09-04. Review status: criteria provided, single submitter. Criteria: GeneDx Variant Classification Process June 2021. Collection method: clinical testing. Allele origin: germline. Affected: yes.
Comment: Not observed at significant frequency in large population cohorts (gnomAD); In silico analysis suggests that this missense variant does not alter protein structure/function; Observed with a pathogenic variant on the opposite allele (in trans) in a patient with infantile-onset acute liver failure (PMID: 39290186); This variant is associated with the following publications: (PMID: 25525159, 39290186, 19732863, 36305855, 33205917, 23625533, 38113276)

Fulgent Genetics
Classification: Likely pathogenic for Aminoglycoside-induced deafness; Acute infantile liver failure due to synthesis defect of mtDNA-encoded proteins. Last evaluated: 2024-06-08. Review status: criteria provided, single submitter. Criteria: ACMG Guidelines, 2015. Collection method: clinical testing. Allele origin: germline.

Women's Health and Genetics/Laboratory Corporation of America, LabCorp
Classification: Likely pathogenic for Acute infantile liver failure due to synthesis defect of mtDNA-encoded proteins. Last evaluated: 2024-06-04. Review status: criteria provided, single submitter. Criteria: LabCorp Variant Classification Summary - May 2015. Collection method: clinical testing. Allele origin: germline.
Comment: Variant summary: TRMU c.697C>T (p.Leu233Phe) results in a non-conservative amino acid change located in the tRNA-specific 2-thiouridylase MnmA-like, central domain (IPR046884) of the encoded protein sequence. Five of five in-silico tools predict a damaging effect of the variant on protein function. The variant was absent in 251484 control chromosomes. c.697C>T has been reported in the literature in a presumed compound heterozygous individual and in a homozygous individual affected with Liver Failure Acute Infantile, Transient (e.g. Zeharia_2009, Gaignard_2013). These data indicate that the variant may be associated with disease. At least one publication reports experimental evidence evaluating an impact on protein function. The most pronounced variant effect results in 20%-<30% of normal activity in an in vitro cell assay due to impaired mutant protein stability (Ahmad_2024). The following publications have been ascertained in the context of this evaluation (PMID: 38113276, 23625533, 19732863). No submitters have cited clinical-significance assessments for this variant to ClinVar. Based on the evidence outlined above, the variant was classified as likely pathogenic.

Literature cited by the submitters: PubMed 19732863 (cited by Myriad Genetics, Inc. and Women's Health and Genetics/Laboratory Corporation of America, LabCorp); PubMed 23625533 (cited by Myriad Genetics, Inc. and Women's Health and Genetics/Laboratory Corporation of America, LabCorp); PubMed 38113276 (cited by Myriad Genetics, Inc. and Women's Health and Genetics/Laboratory Corporation of America, LabCorp); PubMed 39290186 (cited by Myriad Genetics, Inc.).